The following is an entry in ClinVar:

ClinVar aggregate classification (germline): Uncertain significance. Review status: criteria provided, single submitter (1 of 4 stars). 2 submissions from 2 submitters: Uncertain significance (1). 1 of the submissions does not count toward it. Last evaluated 2021-07-14.

Conditions:
TRIM55-related disorder. Also called: TRIM55-related condition.

Allele frequency attached by ClinVar (database versions not stated): 1000 Genomes Project 30x 0.00031; 1000 Genomes Project 0.00040; TOPMed 0.00068; ESP Exome Variant Server 0.00123.

Submissions (2):

Ambry Genetics
Classification: Uncertain significance. Last evaluated: 2021-07-14. Review status: criteria provided, single submitter. Criteria: Ambry Variant Classification Scheme 2023. Collection method: clinical testing. Allele origin: germline.

PreventionGenetics, part of Exact Sciences
Classification: Likely benign for TRIM55-related condition. Last evaluated: 2023-01-31. Review status: no assertion criteria provided. Collection method: clinical testing. Allele origin: germline. Not counted in ClinVar's aggregate classification.
Comment: This variant is classified as likely benign based on ACMG/AMP sequence variant interpretation guidelines (Richards et al. 2015 PMID: 25741868, with internal and published modifications).

NM_184085.2(TRIM55):c.358G>T (p.Asp120Tyr)

Gene: TRIM55 (tripartite motif containing 55; plus strand). Cytogenetic location: 8q13.1.
Variant type: single nucleotide variant.
Coding change: c.358G>T on transcript NM_184085.2 (MANE Select); coding-DNA position 358, G replaced by T.
Protein change: p.Asp120Tyr; replaces aspartic acid 120 with tyrosine.
Molecular consequence: missense variant.
Genome position (GRCh38, 1-based): chr8:66,135,006, G>T. VCF-style: chr8-66135006-G-T. GRCh37 (hg19) VCF-style: chr8-67047241-G-T.
Other names: c.358G>T, p.Asp120Tyr (NM_033058.3, NM_184086.2, NM_184087.2); short protein forms D120Y.
Identifiers: ClinVar variation 2234208 (VCV002234208.4), dbSNP rs61744335, ClinGen allele CA4765651.